The following is an entry in ClinVar:

ClinVar aggregate classification (germline): Uncertain significance (1 of 4 stars; one submission).

Conditions:
Duchenne muscular dystrophy (DMD). Also called: MUSCULAR DYSTROPHY, PSEUDOHYPERTROPHIC PROGRESSIVE, DUCHENNE TYPE; Duchenne Muscular Dystrophy (DMD). Identifiers: Orphanet 98896, MedGen C0013264, MONDO:0010679, OMIM 310200.

Submission:

Labcorp Genetics (formerly Invitae), Labcorp
Classification: Uncertain significance for Duchenne muscular dystrophy. Last evaluated: 2024-03-15. Review status: criteria provided, single submitter. Criteria: Invitae Variant Classification Sherloc (09022015). Collection method: clinical testing. Allele origin: germline.
Comment: This sequence change replaces lysine, which is basic and polar, with threonine, which is neutral and polar, at codon 802 of the DMD protein (p.Lys802Thr). This variant is not present in population databases (gnomAD no frequency). This variant has not been reported in the literature in individuals affected with DMD-related conditions. Advanced modeling of protein sequence and biophysical properties (such as structural, functional, and spatial information, amino acid conservation, physicochemical variation, residue mobility, and thermodynamic stability) performed at Invitae indicates that this missense variant is not expected to disrupt DMD protein function with a negative predictive value of 95%. In summary, the available evidence is currently insufficient to determine the role of this variant in disease. Therefore, it has been classified as a Variant of Uncertain Significance.

NM_004006.3(DMD):c.2405A>C (p.Lys802Thr)

Gene: DMD (dystrophin; minus strand). Cytogenetic location: Xp21.1.
Variant type: single nucleotide variant.
Coding change: c.2405A>C on transcript NM_004006.3 (MANE Select); coding-DNA position 2405, A replaced by C.
Protein change: p.Lys802Thr; replaces lysine 802 with threonine.
Molecular consequence: missense variant.
Genome position (GRCh38, 1-based): chrX:32,491,494, T>G on the plus strand (A>C on the coding strand, the complement: DMD is on the minus strand). VCF-style: chrX-32491494-T-G. GRCh37 (hg19) VCF-style: chrX-32509611-T-G.
Other names: c.2381A>C, p.Lys794Thr (NM_000109.4); c.2393A>C, p.Lys798Thr (NM_004009.3); c.2036A>C, p.Lys679Thr (NM_004010.3); short protein forms K679T, K798T, K794T, K802T.
Identifiers: ClinVar variation 3677770 (VCV003677770.2).
Genomic context (GRCh38, chrX:32,491,494, plus strand): 5'-CTCTCACTTAGCAACTGGCAGAATTCGATCCACCGGCTGTTCAGTTGTTCTGAGGCTTGT[T>G]TGATGCTATCTGCATTAACACCCTCTAGAAAGAAAAAAATAATTAAATATATCCCCTGAA-3'
Protein context (NP_003997.2, residues 792-812): VNEGVNADSI[Lys802Thr]QASEQLNSRW